The following is an entry in ClinVar:

ClinVar aggregate classification (germline): Benign. Review status: criteria provided, multiple submitters, no conflicts (2 of 4 stars). 3 submissions from 3 submitters: Benign (2). 1 of the submissions does not count toward it. Last evaluated 2026-02-01.

Conditions:
DMRT2-related disorder. Also called: DMRT2-related condition.

Allele frequency attached by ClinVar (database versions not stated): gnomAD exomes 0.00027; ExAC 0.00123; 1000 Genomes Project 0.00140; ESP Exome Variant Server 0.00163; 1000 Genomes Project 30x 0.00187; gnomAD 0.00217 and 0.00230.
gnomAD v4.1: 607 of 1,527,054 alleles (0.04%); highest among the groups gnomAD compares: African/African-American, 0.8%; 5 homozygotes.

Submissions (3):

Labcorp Genetics (formerly Invitae), Labcorp
Classification: Benign. Last evaluated: 2026-02-01. Review status: criteria provided, single submitter. Criteria: Invitae Variant Classification Sherloc (09022015). Collection method: clinical testing. Allele origin: germline.

Breakthrough Genomics
Classification: Benign. Review status: criteria provided, single submitter. Criteria: ACMG Guidelines, 2015. Collection method: not provided. Allele origin: germline. Inheritance: Unknown mechanism. Affected: yes.

PreventionGenetics, part of Exact Sciences
Classification: Likely benign for DMRT2-related condition. Last evaluated: 2021-11-17. Review status: no assertion criteria provided. Collection method: clinical testing. Allele origin: germline. Not counted in ClinVar's aggregate classification.
Comment: This variant is classified as likely benign based on ACMG/AMP sequence variant interpretation guidelines (Richards et al. 2015 PMID: 25741868, with internal and published modifications).

NM_181872.6(DMRT2):c.145G>C (p.Asp49His)

Gene: DMRT2 (doublesex and mab-3 related transcription factor 2; plus strand). Cytogenetic location: 9p24.3.
Variant type: single nucleotide variant.
Coding change: c.145G>C on transcript NM_181872.6 (MANE Select); coding-DNA position 145, G replaced by C.
Protein change: p.Asp49His; replaces aspartic acid 49 with histidine.
Molecular consequence: missense variant. On other transcripts: 5 prime UTR variant (1), non-coding transcript variant (1).
Genome position (GRCh38, 1-based): chr9:1,051,758, G>C. VCF-style: chr9-1051758-G-C. GRCh37 (hg19) VCF-style: chr9-1051758-G-C.
Other names: c.145G>C, p.Asp49His (NM_001130865.3, NM_001370531.1, NM_001370533.1 and 4 more transcripts); c.-506G>C (NM_001370532.1); c.145G>C (NM_006557.6); short protein forms D49H.
Identifiers: ClinVar variation 1540553 (VCV001540553.11), dbSNP rs186801092, ClinGen allele CA4962301.
Genomic context (GRCh38, chr9:1,051,758, plus strand): 5'-GCGCCGCGGTCCACGCCCCCCGGGCCCAGCCCGCCGCCGGCGGACGGGGACTGCGAGGAC[G>C]ACGAAGATGACGACGGGGTGGACGAAGACGCGGAAGAAGAGGGCGACGGCGAGGAGGCAG-3'
Protein context (NP_870987.2, residues 39-59): PPPADGDCED[Asp49His]EDDDGVDEDA